The following is an entry in ClinVar:

NM_183381.3(RNF13):c.932T>A (p.Leu311Ter)

Gene: RNF13 (ring finger protein 13; plus strand). Cytogenetic location: 3q25.1.
Variant type: single nucleotide variant.
Coding change: c.932T>A on transcript NM_183381.3 (MANE Select); coding-DNA position 932, T replaced by A.
Protein change: p.Leu311Ter; replaces leucine 311 with a stop codon.
Molecular consequence: nonsense. On other transcripts: non-coding transcript variant (1).
Genome position (GRCh38, 1-based): chr3:149,960,890, T>A. VCF-style: chr3-149960890-T-A. GRCh37 (hg19) VCF-style: chr3-149678677-T-A.
Other names: c.932T>A, p.Leu311Ter (NM_001378285.1, NM_001378286.1, NM_007282.4); c.575T>A, p.Leu192Ter (NM_001378287.1, NM_001378288.1, NM_001378289.1 and 2 more transcripts); c.539T>A, p.Leu180Ter (NM_001378291.1); short protein forms L180*, L192*, L311*.
Identifiers: ClinVar variation 1308257 (VCV001308257.4), dbSNP rs1559980771, ClinGen allele CA354935968.

ClinVar aggregate classification (germline): Likely pathogenic (1 of 4 stars; one submission).

Submission:

GeneDx
Classification: Likely pathogenic. Last evaluated: 2022-10-18. Review status: criteria provided, single submitter. Criteria: GeneDx Variant Classification Process June 2021. Collection method: clinical testing. Allele origin: germline. Affected: yes.
Comment: Not observed at significant frequency in large population cohorts (gnomAD); Nonsense variant predicted to result in protein truncation, although loss-of-function variants have not been reported downstream of this position in the protein; Has not been previously published as pathogenic or benign to our knowledge